The following is an entry in ClinVar:

NM_000083.3(CLCN1):c.1012C>T (p.Arg338Ter)

Gene: CLCN1 (chloride voltage-gated channel 1; plus strand). Cytogenetic location: 7q34.
Variant type: single nucleotide variant.
Coding change: c.1012C>T on transcript NM_000083.3 (MANE Select); coding-DNA position 1012, C replaced by T.
Protein change: p.Arg338Ter; replaces arginine 338 with a stop codon.
Molecular consequence: nonsense. On other transcripts: non-coding transcript variant (1).
Genome position (GRCh38, 1-based): chr7:143,331,264, C>T. VCF-style: chr7-143331264-C-T. GRCh37 (hg19) VCF-style: chr7-143028357-C-T.
Other names: short protein forms R338*.
Identifiers: ClinVar variation 425428 (VCV000425428.57), dbSNP rs759761559, ClinGen allele CA16621861.

ClinVar aggregate classification (germline): Pathogenic/Likely pathogenic. Review status: criteria provided, multiple submitters, no conflicts (2 of 4 stars). 9 submissions from 9 submitters: Pathogenic (6); Likely pathogenic (2). 1 of the submissions does not count toward it. Last evaluated 2026-01-07.

Conditions:
CLCN1-related disorder. Also called: CLCN1-related condition.
Congenital myotonia, autosomal recessive form. Also called: myotonia congenita, autosomal recessive; BECKER DISEASE; Becker Generalized Myotonia. Identifiers: Orphanet 614, MedGen C0751360, MONDO:0009715, OMIM 255700.
Congenital myotonia, autosomal dominant form (THD). Also called: Myotonia congenita autosomal dominant; THOMSEN DISEASE. Identifiers: Orphanet 614, MedGen C2936781, MONDO:0008055, OMIM 160800.

Allele frequency attached by ClinVar (database versions not stated): gnomAD exomes 0.00001.
gnomAD v4.1: 9 of 1,613,636 alleles (0.00056%); highest among the groups gnomAD compares: South Asian, 0.0033%; no homozygotes.

Submissions (9):

Labcorp Genetics (formerly Invitae), Labcorp
Classification: Pathogenic for Congenital myotonia, autosomal recessive form; Congenital myotonia, autosomal dominant form. Last evaluated: 2026-01-07. Review status: criteria provided, single submitter. Criteria: Invitae Variant Classification Sherloc (09022015). Collection method: clinical testing. Allele origin: germline.
Comment: This sequence change creates a premature translational stop signal (p.Arg338*) in the CLCN1 gene. It is expected to result in an absent or disrupted protein product. Loss-of-function variants in CLCN1 are known to be pathogenic (PMID: 17932099, 22094069, 23739125). This variant is not present in population databases (gnomAD no frequency). This premature translational stop signal has been observed in individuals with autosomal recessive myotonia congenita (PMID: 22521272, 24452722, 27118449). It has also been observed to segregate with disease in related individuals. ClinVar contains an entry for this variant (Variation ID: 425428). Algorithms developed to predict the effect of sequence changes on RNA splicing suggest that this variant may disrupt the consensus splice site. For these reasons, this variant has been classified as Pathogenic.

Women's Health and Genetics/Laboratory Corporation of America, LabCorp
Classification: Pathogenic for Congenital myotonia, autosomal recessive form. Last evaluated: 2025-10-08. Review status: criteria provided, single submitter. Criteria: LabCorp Variant Classification Summary - May 2015. Collection method: clinical testing. Allele origin: germline.
Comment: Variant summary: CLCN1 c.1012C>T (p.Arg338X) results in a premature termination codon, predicted to cause a truncation of the encoded protein or absence of the protein due to nonsense mediated decay, which are commonly known mechanisms for disease. The variant was absent in 251482 control chromosomes. c.1012C>T has been observed in individual(s) affected with Congenital myotonia, autosomal recessive form (example: Oz_2023). These data indicate that the variant is likely to be associated with disease. The following publication has been ascertained in the context of this evaluation (PMID: 37355912). ClinVar contains an entry for this variant (Variation ID: 425428). Based on the evidence outlined above, the variant was classified as pathogenic.

GeneDx
Classification: Pathogenic. Last evaluated: 2025-01-27. Review status: criteria provided, single submitter. Criteria: GeneDx Variant Classification Process June 2021. Collection method: clinical testing. Allele origin: germline. Affected: yes.
Comment: Nonsense variant predicted to result in protein truncation or nonsense mediated decay in a gene for which loss of function is a known mechanism of disease; Not observed at significant frequency in large population cohorts (gnomAD); This variant is associated with the following publications: (PMID: 35866763, Jehasse2020[preprint], 32214227, Meng2021[pre-print], 23739125, 35350395, 24452722, 34790634, 32558419, 28325641, 38855810, 35170402, 37355912, 27118449, 22521272)

Revvity Omics, Revvity
Classification: Pathogenic. Last evaluated: 2025-01-09. Review status: criteria provided, single submitter. Criteria: ACMG Guidelines, 2015. Collection method: clinical testing. Allele origin: germline.

Blueprint Genetics
Classification: Pathogenic for CLCN1-related disorders. Last evaluated: 2024-06-28. Review status: criteria provided, single submitter. Criteria: ACMG Guidelines, 2015. Collection method: clinical testing. Allele origin: germline. Affected: yes. Observed: 3 variant alleles.

Clinical Genetics Laboratory, Skane University Hospital Lund
Classification: Likely pathogenic. Last evaluated: 2022-07-13. Review status: criteria provided, single submitter. Criteria: ACMG Guidelines, 2015. Collection method: clinical testing. Allele origin: germline. Affected: yes.

MGZ Medical Genetics Center
Classification: Pathogenic for Congenital myotonia, autosomal recessive form. Last evaluated: 2022-06-29. Review status: criteria provided, single submitter. Criteria: ACMG Guidelines, 2015. Collection method: clinical testing. Allele origin: germline. Affected: yes. Observed: 1 variant allele.
Comment: ACMG criteria applied: PVS1, PS4_MOD, PM3, PM2_SUP

CeGaT Center for Human Genetics Tuebingen
Classification: Likely pathogenic. Last evaluated: 2016-11-01. Review status: criteria provided, single submitter. Criteria: CeGaT Center For Human Genetics Tuebingen Variant Classification Criteria Version 2. Collection method: clinical testing. Allele origin: germline. Affected: yes. Observed: 1 variant allele.

Section for Clinical Neurogenetics, University of Tübingen
Classification: Pathogenic for Congenital myotonia, autosomal recessive form. Last evaluated: 2019-08-01. Review status: no assertion criteria provided. Collection method: research. Allele origin: germline. Affected: yes. Not counted in ClinVar's aggregate classification.

Literature cited by the submitters: PubMed 17932099 (cited by Labcorp Genetics (formerly Invitae), Labcorp); PubMed 22094069 (cited by Labcorp Genetics (formerly Invitae), Labcorp); PubMed 23739125 (cited by Labcorp Genetics (formerly Invitae), Labcorp); PubMed 22521272 (cited by Labcorp Genetics (formerly Invitae), Labcorp and Section for Clinical Neurogenetics, University of Tübingen); PubMed 24452722 (cited by Labcorp Genetics (formerly Invitae), Labcorp); PubMed 27118449 (cited by Labcorp Genetics (formerly Invitae), Labcorp); PubMed 37355912 (cited by Women's Health and Genetics/Laboratory Corporation of America, LabCorp); PubMed 32214227 (cited by Section for Clinical Neurogenetics, University of Tübingen).